The following is an entry in ClinVar:

ClinVar aggregate classification (germline): Uncertain significance (1 of 4 stars; one submission).

Submission:

Labcorp Genetics (formerly Invitae), Labcorp
Classification: Uncertain significance. Last evaluated: 2025-06-08. Review status: criteria provided, single submitter. Criteria: Invitae Variant Classification Sherloc (09022015). Collection method: clinical testing. Allele origin: germline.
Comment: This sequence change replaces serine, which is neutral and polar, with threonine, which is neutral and polar, at codon 355 of the PLG protein (p.Ser355Thr). This variant is not present in population databases (gnomAD no frequency). This variant has not been reported in the literature in individuals affected with PLG-related conditions. Invitae Evidence Modeling of protein sequence and biophysical properties (such as structural, functional, and spatial information, amino acid conservation, physicochemical variation, residue mobility, and thermodynamic stability) indicates that this missense variant is not expected to disrupt PLG protein function with a negative predictive value of 80%. In summary, the available evidence is currently insufficient to determine the role of this variant in disease. Therefore, it has been classified as a Variant of Uncertain Significance.

NM_000301.5(PLG):c.1063T>A (p.Ser355Thr)

Gene: PLG (plasminogen; plus strand). Cytogenetic location: 6q26.
Variant type: single nucleotide variant.
Coding change: c.1063T>A on transcript NM_000301.5 (MANE Select); coding-DNA position 1063, T replaced by A.
Protein change: p.Ser355Thr; replaces serine 355 with threonine.
Molecular consequence: missense variant.
Genome position (GRCh38, 1-based): chr6:160,718,805, T>A. VCF-style: chr6-160718805-T-A. GRCh37 (hg19) VCF-style: chr6-161139837-T-A.
Other names: short protein forms S355T.
Identifiers: ClinVar variation 4737327 (VCV004737327.1).